The following is an entry in ClinVar:

ClinVar aggregate classification (germline): Benign/Likely benign. Review status: criteria provided, multiple submitters, no conflicts (2 of 4 stars). 6 submissions from 6 submitters: Benign (3); Likely benign (2). 1 of the submissions does not count toward it. Last evaluated 2026-04-05.

Conditions:
DMD-related disorder. Also called: DMD-related condition.
Dystrophin deficiency.
Cardiomyopathy (CMYO). Also called: Cardiomyopathies. Identifiers: Orphanet 167848, MedGen C0878544, MONDO:0004994, HP:0001638. Inheritance: Various modes of inheritance.
Becker muscular dystrophy (BMD). Also called: MUSCULAR DYSTROPHY, PSEUDOHYPERTROPHIC PROGRESSIVE, BECKER TYPE; Becker Muscular Dystrophy (BMD). Identifiers: Orphanet 98895, MedGen C0917713, MONDO:0010311, OMIM 300376.
Duchenne muscular dystrophy (DMD). Also called: MUSCULAR DYSTROPHY, PSEUDOHYPERTROPHIC PROGRESSIVE, DUCHENNE TYPE; Duchenne Muscular Dystrophy (DMD). Identifiers: Orphanet 98896, MedGen C0013264, MONDO:0010679, OMIM 310200.
Cardiovascular phenotype. Identifiers: MedGen CN230736.

Allele frequency attached by ClinVar (database versions not stated): ESP Exome Variant Server 0.00009; 1000 Genomes Project 30x 0.00021; 1000 Genomes Project 0.00026; TOPMed 0.00028.
gnomAD v4.1: 48 of 1,207,677 alleles (0.004%); highest among the groups gnomAD compares: African/African-American, 0.077%; no homozygotes.

Submissions (6):

PreventionGenetics, part of Exact Sciences
Classification: Likely benign for DMD-related condition. Last evaluated: 2026-04-05. Review status: criteria provided, single submitter. Criteria: ACMG Guidelines, 2015. Collection method: clinical testing. Allele origin: germline.
Comment: This variant is classified as likely benign based on ACMG/AMP sequence variant interpretation guidelines (Richards et al. 2015 PMID: 25741868, with internal and published modifications).

Labcorp Genetics (formerly Invitae), Labcorp
Classification: Benign for Duchenne muscular dystrophy. Last evaluated: 2026-02-04. Review status: criteria provided, single submitter. Criteria: Invitae Variant Classification Sherloc (09022015). Collection method: clinical testing. Allele origin: germline.

Women's Health and Genetics/Laboratory Corporation of America, LabCorp
Classification: Benign. Last evaluated: 2025-11-17. Review status: criteria provided, single submitter. Criteria: LabCorp Variant Classification Summary - May 2015. Collection method: clinical testing. Allele origin: germline.

GeneDx
Classification: Benign. Last evaluated: 2020-12-16. Review status: criteria provided, single submitter. Criteria: GeneDx Variant Classification Process June 2021. Collection method: clinical testing. Allele origin: germline. Affected: yes.

Ambry Genetics
Classification: Likely benign for Cardiovascular phenotype. Last evaluated: 2016-11-29. Review status: criteria provided, single submitter. Criteria: Ambry Variant Classification Scheme 2023. Collection method: clinical testing. Allele origin: germline.

Natera, Inc.
Classification: Likely benign for Becker muscular dystrophy; Cardiomyopathy; Duchenne muscular dystrophy; Dystrophin deficiency. Last evaluated: 2018-06-01. Review status: no assertion criteria provided. Collection method: clinical testing. Allele origin: germline. Not counted in ClinVar's aggregate classification.

NM_004006.3(DMD):c.2331G>C (p.Leu777=)

Gene: DMD (dystrophin; minus strand). Cytogenetic location: Xp21.1.
Variant type: single nucleotide variant.
Coding change: c.2331G>C on transcript NM_004006.3 (MANE Select); coding-DNA position 2331, G replaced by C.
Protein change: p.Leu777=; no amino-acid change (leucine 777 retained).
Molecular consequence: synonymous variant.
Genome position (GRCh38, 1-based): chrX:32,501,804, C>G on the plus strand (G>C on the coding strand, the complement: DMD is on the minus strand). VCF-style: chrX-32501804-C-G. GRCh37 (hg19) VCF-style: chrX-32519921-C-G.
Other names: c.2307G>C, p.Leu769= (NM_000109.4); c.2319G>C, p.Leu773= (NM_004009.3); c.1962G>C, p.Leu654= (NM_004010.3).
Identifiers: ClinVar variation 94503 (VCV000094503.22), dbSNP rs369659071, ClinGen allele CA147812.